The following is an entry in ClinVar:

ClinVar aggregate classification (germline): Uncertain significance (1 of 4 stars; one submission).

Submission:

Labcorp Genetics (formerly Invitae), Labcorp
Classification: Uncertain significance. Last evaluated: 2022-01-13. Review status: criteria provided, single submitter. Criteria: Invitae Variant Classification Sherloc (09022015). Collection method: clinical testing. Allele origin: germline.
Comment: This sequence change replaces aspartic acid, which is acidic and polar, with valine, which is neutral and non-polar, at codon 462 of the EGF protein (p.Asp462Val). This variant is not present in population databases (gnomAD no frequency). This variant has not been reported in the literature in individuals affected with EGF-related conditions. Algorithms developed to predict the effect of missense changes on protein structure and function are either unavailable or do not agree on the potential impact of this missense change (SIFT: "Not Available"; PolyPhen-2: "Benign"; Align-GVGD: "Not Available"). In summary, the available evidence is currently insufficient to determine the role of this variant in disease. Therefore, it has been classified as a Variant of Uncertain Significance.

NM_001963.6(EGF):c.1385A>T (p.Asp462Val)

Gene: EGF (epidermal growth factor; plus strand). Cytogenetic location: 4q25.
Variant type: single nucleotide variant.
Coding change: c.1385A>T on transcript NM_001963.6 (MANE Select); coding-DNA position 1385, A replaced by T.
Protein change: p.Asp462Val; replaces aspartic acid 462 with valine.
Molecular consequence: missense variant.
Genome position (GRCh38, 1-based): chr4:109,963,245, A>T. VCF-style: chr4-109963245-A-T. GRCh37 (hg19) VCF-style: chr4-110884401-A-T.
Other names: c.1385A>T, p.Asp462Val (NM_001178130.3); c.1259A>T, p.Asp420Val (NM_001178131.3, NM_001357021.2); short protein forms D420V, D462V.
Identifiers: ClinVar variation 2082112 (VCV002082112.4), dbSNP rs2545785248, ClinGen allele CA357881521.